The following is an entry in ClinVar:

NM_014714.4(IFT140):c.1451C>T (p.Thr484Met)

Genes: IFT140 (intraflagellar transport 140; minus strand), LOC105371046 (uncharacterized LOC105371046; plus strand). Cytogenetic location: 16p13.3.
Variant type: single nucleotide variant.
Coding change: c.1451C>T on transcript NM_014714.4 (MANE Select); coding-DNA position 1451, C replaced by T.
Protein change: p.Thr484Met; replaces threonine 484 with methionine.
Molecular consequence: missense variant.
Genome position (GRCh38, 1-based): chr16:1,580,832, G>A on the plus strand (C>T on the coding strand, the complement: IFT140 is on the minus strand). VCF-style: chr16-1580832-G-A. GRCh37 (hg19) VCF-style: chr16-1630833-G-A.
Other names: short protein forms T484M.
Identifiers: ClinVar variation 446314 (VCV000446314.38), dbSNP rs758052634, ClinGen allele CA7814278.

ClinVar aggregate classification (germline): Pathogenic/Likely pathogenic. Review status: criteria provided, multiple submitters, no conflicts (2 of 4 stars). 7 submissions from 7 submitters: Pathogenic (5); Likely pathogenic (1). 1 of the submissions does not count toward it. Last evaluated 2026-06-22.

Conditions:
Retinitis pigmentosa (RP). Identifiers: Orphanet 791, MedGen C0035334, MeSH D012174, MONDO:0019200, OMIM 268000. Inheritance: Autosomal dominant, autosomal recessive and X linked inheritance.
Retinal disorder. Also called: Retinopathies; Retinal Diseases; Retinal disorders; Retinopathy. Identifiers: MedGen C0035309, MONDO:0005283, HP:0000488.
Saldino-Mainzer syndrome (SRTD9). Also called: short-rib thoracic dysplasia 9 with or without polydactyly; Renal dysplasia, retinal pigmentary dystrophy, cerebellar ataxia and skeletal dysplasia; SHORT-RIB THORACIC DYSPLASIA 9 WITHOUT POLYDACTYLY; CONORENAL SYNDROME. Identifiers: Orphanet 140969, MedGen C1849437, MONDO:0009964, OMIM 266920.
Retinitis pigmentosa 80 (RP80). Identifiers: MedGen C4540439, MONDO:0054708, OMIM 617781.
IFT140-related disorders.

Allele frequency attached by ClinVar (database versions not stated): TOPMed below 0.00001; ExAC 0.00004; gnomAD 0.00001; gnomAD exomes 0.00001 and 0.00003.
gnomAD v4.1: 20 of 1,613,176 alleles (0.0012%); highest among the groups gnomAD compares: East Asian, 0.0067%; no homozygotes.

Submissions (7):

Genetics Laboratory, Great Ormond Street Hospital NHS Foundation Trust, North Thames Genomic Laboratory Hub
Classification: Pathogenic for Retinal disorders. Last evaluated: 2026-06-22. Review status: criteria provided, single submitter. Criteria: ACGS Best Practice Guidelines for Variant Classification in Rare Disease 2024 v1.2. Collection method: clinical testing. Allele origin: germline. Affected: yes.
Comment: PM2_moderate, PS3_supporting, PP1_strong, PM3_strong

Labcorp Genetics (formerly Invitae), Labcorp
Classification: Pathogenic for Saldino-Mainzer syndrome. Last evaluated: 2025-09-29. Review status: criteria provided, single submitter. Criteria: Invitae Variant Classification Sherloc (09022015). Collection method: clinical testing. Allele origin: germline.
Comment: This sequence change replaces threonine, which is neutral and polar, with methionine, which is neutral and non-polar, at codon 484 of the IFT140 protein (p.Thr484Met). This variant is present in population databases (rs758052634, gnomAD 0.02%). This missense change has been observed in individuals with retinal dystrophy (PMID: 26216056, 26968735, 31736247). It has also been observed to segregate with disease in related individuals. ClinVar contains an entry for this variant (Variation ID: 446314). Invitae Evidence Modeling of protein sequence and biophysical properties (such as structural, functional, and spatial information, amino acid conservation, physicochemical variation, residue mobility, and thermodynamic stability) indicates that this missense variant is not expected to disrupt IFT140 protein function with a negative predictive value of 80%. Experimental studies have shown that this missense change affects IFT140 function (PMID: 26968735). For these reasons, this variant has been classified as Pathogenic.

Fulgent Genetics
Classification: Likely pathogenic for Saldino-Mainzer syndrome; Retinitis pigmentosa 80. Last evaluated: 2024-02-14. Review status: criteria provided, single submitter. Criteria: ACMG Guidelines, 2015. Collection method: clinical testing. Allele origin: germline.

CeGaT Center for Human Genetics Tuebingen
Classification: Pathogenic. Last evaluated: 2023-08-01. Review status: criteria provided, single submitter. Criteria: CeGaT Center For Human Genetics Tuebingen Variant Classification Criteria Version 2. Collection method: clinical testing. Allele origin: germline. Affected: yes. Observed: 1 variant allele.
Comment: IFT140: PM3:Very Strong, PM2, PP1, PS3:Supporting, BP4

Women's Health and Genetics/Laboratory Corporation of America, LabCorp
Classification: Pathogenic for Retinitis pigmentosa. Last evaluated: 2022-07-27. Review status: criteria provided, single submitter. Criteria: LabCorp Variant Classification Summary - May 2015. Collection method: clinical testing. Allele origin: germline.
Comment: Variant summary: IFT140 c.1451C>T (p.Thr484Met) results in a non-conservative amino acid change in the encoded protein sequence. Four of five in-silico tools predict a damaging effect of the variant on protein function. The variant allele was found at a frequency of 3.2e-05 in 251284 control chromosomes (gnomAD). The variant, c.1451C>T, has been reported in the literature in multiple homozygous and compound heterozygous individuals affected with retinal dystrophy (Hull_2016, Xu_2015, Zenteno_2020), and in one of the reported families the variant segregated with disease (Hull_2016). These data indicate that the variant is very likely to be associated with disease. One of these publications also reported experimental evidence evaluating an impact on protein function, and demonstrated subcellular mislocalization for the variant protein (Hull_2016). Three submitters have provided clinical-significance assessments for this variant in ClinVar after 2014, and all classified the variant as pathogenic. Based on the evidence outlined above, the variant was classified as pathogenic.

Blueprint Genetics
Classification: Pathogenic for IFT140-related disorders. Last evaluated: 2019-11-20. Review status: criteria provided, single submitter. Criteria: ACMG Guidelines, 2015. Collection method: clinical testing. Allele origin: germline. Affected: yes. Observed: 5 variant alleles.

OMIM
Classification: Pathogenic for RETINITIS PIGMENTOSA 80. Last evaluated: 2024-02-08. Review status: no assertion criteria provided. Collection method: literature only. Allele origin: germline. Not counted in ClinVar's aggregate classification.

Literature cited by the submitters: PubMed 26216056 (cited by 3 submitters); PubMed 26968735 (cited by 3 submitters); PubMed 31736247 (cited by Labcorp Genetics (formerly Invitae), Labcorp and Women's Health and Genetics/Laboratory Corporation of America, LabCorp).